The following is an entry in ClinVar:

ClinVar aggregate classification (germline): Uncertain significance (1 of 4 stars; one submission).

Conditions:
Distal hereditary motor neuropathy type 2. Identifiers: Orphanet 139525, MedGen C3711384, MeSH C580044, MONDO:0015352.

Allele frequency attached by ClinVar (database versions not stated): gnomAD exomes below 0.00001; ExAC 0.00001; gnomAD 0.00001; 1000 Genomes Project 30x 0.00016; 1000 Genomes Project 0.00020.
gnomAD v4.1: 3 of 1,612,710 alleles (0.00019%); highest among the groups gnomAD compares: South Asian, 0.0022%; no homozygotes.

Submission:

Labcorp Genetics (formerly Invitae), Labcorp
Classification: Uncertain significance for Distal hereditary motor neuropathy type 2. Last evaluated: 2023-09-25. Review status: criteria provided, single submitter. Criteria: Invitae Variant Classification Sherloc (09022015). Collection method: clinical testing. Allele origin: germline.
Comment: This sequence change replaces isoleucine, which is neutral and non-polar, with valine, which is neutral and non-polar, at codon 386 of the FBXO38 protein (p.Ile386Val). This variant is present in population databases (rs571472179, gnomAD 0.003%). This variant has not been reported in the literature in individuals affected with FBXO38-related conditions. Advanced modeling of protein sequence and biophysical properties (such as structural, functional, and spatial information, amino acid conservation, physicochemical variation, residue mobility, and thermodynamic stability) has been performed at Invitae for this missense variant, however the output from this modeling did not meet the statistical confidence thresholds required to predict the impact of this variant on FBXO38 protein function. In summary, the available evidence is currently insufficient to determine the role of this variant in disease. Therefore, it has been classified as a Variant of Uncertain Significance.

NM_205836.3(FBXO38):c.1156A>G (p.Ile386Val)

Gene: FBXO38 (F-box protein 38; plus strand). Cytogenetic location: 5q32.
Variant type: single nucleotide variant.
Coding change: c.1156A>G on transcript NM_205836.3 (MANE Select); coding-DNA position 1156, A replaced by G.
Protein change: p.Ile386Val; replaces isoleucine 386 with valine.
Molecular consequence: missense variant.
Genome position (GRCh38, 1-based): chr5:148,414,198, A>G. VCF-style: chr5-148414198-A-G. GRCh37 (hg19) VCF-style: chr5-147793761-A-G.
Other names: c.1156A>G, p.Ile386Val (NM_001271723.2, NM_030793.5); short protein forms I386V.
Identifiers: ClinVar variation 2902801 (VCV002902801.3), dbSNP rs571472179, ClinGen allele CA3497216.